The following is an entry in ClinVar:

ClinVar aggregate classification (germline): Conflicting classifications of pathogenicity. Review status: criteria provided, conflicting classifications (1 of 4 stars). 2 submissions from 2 submitters: Uncertain significance (1); Likely benign (1). Last evaluated 2025-10-07.

Allele frequency attached by ClinVar (database versions not stated): TOPMed below 0.00001.

Submissions (2):

Ambry Genetics
Classification: Likely benign. Last evaluated: 2025-10-07. Review status: criteria provided, single submitter. Criteria: Ambry Variant Classification Scheme 2023. Collection method: clinical testing. Allele origin: germline.

Labcorp Genetics (formerly Invitae), Labcorp
Classification: Uncertain significance. Last evaluated: 2023-01-18. Review status: criteria provided, single submitter. Criteria: Invitae Variant Classification Sherloc (09022015). Collection method: clinical testing. Allele origin: germline.
Comment: In summary, the available evidence is currently insufficient to determine the role of this variant in disease. Therefore, it has been classified as a Variant of Uncertain Significance. Algorithms developed to predict the effect of missense changes on protein structure and function output the following: SIFT: "Tolerated"; PolyPhen-2: "Benign"; Align-GVGD: "Class C0". The isoleucine amino acid residue is found in multiple mammalian species, which suggests that this missense change does not adversely affect protein function. This variant has not been reported in the literature in individuals affected with GUF1-related conditions. This variant is not present in population databases (gnomAD no frequency). This sequence change replaces threonine, which is neutral and polar, with isoleucine, which is neutral and non-polar, at codon 562 of the GUF1 protein (p.Thr562Ile).

NM_021927.3(GUF1):c.1685C>T (p.Thr562Ile)

Gene: GUF1 (GTP binding elongation factor GUF1; plus strand). Cytogenetic location: 4p12.
Variant type: single nucleotide variant.
Coding change: c.1685C>T on transcript NM_021927.3 (MANE Select); coding-DNA position 1685, C replaced by T.
Protein change: p.Thr562Ile; replaces threonine 562 with isoleucine.
Molecular consequence: missense variant.
Genome position (GRCh38, 1-based): chr4:44,694,483, C>T. VCF-style: chr4-44694483-C-T. GRCh37 (hg19) VCF-style: chr4-44696500-C-T.
Other names: c.1685C>T (NM_021927.2); c.713C>T, p.Thr238Ile (NM_001345867.2, NM_001345869.2); c.1685C>T, p.Thr562Ile (NM_001345868.2); short protein forms T238I, T562I.
Identifiers: ClinVar variation 3004355 (VCV003004355.4), dbSNP rs942299870, ClinGen allele CA96523729.
Genomic context (GRCh38, chr4:44,694,483, plus strand): 5'-AAGATGCAGGCTACCAGACTGCAGAACTTGTAAAAATGGATATTCTACTGAATGGAAATA[C>T]TGTAGAGGAGCTAGTAACTGTTGTACACAAGTAAGTTCAATAGAAACTAATCATGGAATG-3'
Protein context (NP_068746.2, residues 552-572): VKMDILLNGN[Thr562Ile]VEELVTVVHK